The following is an entry in ClinVar:

ClinVar aggregate classification (germline): Likely benign (1 of 4 stars; one submission).

gnomAD v4.1: 3 of 1,555,224 alleles (0.00019%); highest among the groups gnomAD compares: Middle Eastern, 0.017%; no homozygotes.

Submission:

CeGaT Center for Human Genetics Tuebingen
Classification: Likely benign. Last evaluated: 2022-12-01. Review status: criteria provided, single submitter. Criteria: CeGaT Center For Human Genetics Tuebingen Variant Classification Criteria Version 2. Collection method: clinical testing. Allele origin: germline. Affected: yes. Observed: 1 variant allele.
Comment: GALNS: PM2:Supporting, BP4, BP7

NM_000512.5(GALNS):c.1485C>T (p.Asn495=)

Gene: GALNS (galactosamine (N-acetyl)-6-sulfatase; minus strand). Cytogenetic location: 16q24.3.
Variant type: single nucleotide variant.
Coding change: c.1485C>T on transcript NM_000512.5 (MANE Select); coding-DNA position 1485, C replaced by T.
Protein change: p.Asn495=; no amino-acid change (asparagine 495 retained).
Molecular consequence: synonymous variant.
Genome position (GRCh38, 1-based): chr16:88,814,523, G>A on the plus strand (C>T on the coding strand, the complement: GALNS is on the minus strand). VCF-style: chr16-88814523-G-A. GRCh37 (hg19) VCF-style: chr16-88880931-G-A.
Other names: c.930C>T, p.Asn310= (NM_001323543.2); c.1503C>T, p.Asn501= (NM_001323544.2).
Identifiers: ClinVar variation 2647012 (VCV002647012.24), dbSNP rs886039377, ClinGen allele CA497091449.